The following is an entry in ClinVar:

NM_001329943.3(KIAA0586):c.2270A>G (p.Asn757Ser)

Gene: KIAA0586 (KIAA0586; plus strand). Cytogenetic location: 14q23.1.
Variant type: single nucleotide variant.
Coding change: c.2270A>G on transcript NM_001329943.3 (MANE Select); coding-DNA position 2270, A replaced by G.
Protein change: p.Asn757Ser; replaces asparagine 757 with serine.
Molecular consequence: missense variant.
Genome position (GRCh38, 1-based): chr14:58,467,750, A>G. VCF-style: chr14-58467750-A-G. GRCh37 (hg19) VCF-style: chr14-58934468-A-G.
Other names: c.2429A>G, p.Asn810Ser (NM_001244189.2); c.2225A>G, p.Asn742Ser (NM_001244190.2); c.2015A>G, p.Asn672Ser (NM_001244191.2, NM_001329945.2, NM_001364700.1 and 1 more transcripts); c.2138A>G, p.Asn713Ser (NM_001244192.2); c.1850A>G, p.Asn617Ser (NM_001244193.2); c.2270A>G, p.Asn757Ser (NM_001329944.2, NM_001329946.2, NM_001329947.2); c.2042A>G, p.Asn681Ser (NM_014749.5); c.2042A>G (NM_014749.3); short protein forms N681S, N713S, N757S, N742S, N617S, N672S, N810S.
Identifiers: ClinVar variation 2081319 (VCV002081319.3), dbSNP rs778673898, ClinGen allele CA7205833.

ClinVar aggregate classification (germline): Uncertain significance. Review status: criteria provided, multiple submitters, no conflicts (2 of 4 stars). 2 submissions from 2 submitters: Uncertain significance (2). Last evaluated 2023-05-17.

Conditions:
Short-rib thoracic dysplasia 14 with polydactyly (SRTD14). Identifiers: Orphanet 397715, MedGen C4225286, MONDO:0014688, OMIM 616546.
Joubert syndrome 23 (JBTS23). Identifiers: Orphanet 475, MedGen C4084822, MONDO:0014664, OMIM 616490.
Inborn genetic diseases. Identifiers: MedGen C0950123, MeSH D030342.

Allele frequency attached by ClinVar (database versions not stated): ExAC 0.00001; gnomAD exomes 0.00001; gnomAD 0.00003; TOPMed 0.00003.
gnomAD v4.1: 10 of 1,609,890 alleles (0.00062%); highest among the groups gnomAD compares: African/African-American, 0.0094%; no homozygotes.

Submissions (2):

Ambry Genetics
Classification: Uncertain significance for Inborn genetic diseases. Last evaluated: 2023-05-17. Review status: criteria provided, single submitter. Criteria: Ambry Variant Classification Scheme 2023. Collection method: clinical testing. Allele origin: germline.

Labcorp Genetics (formerly Invitae), Labcorp
Classification: Uncertain significance for Joubert syndrome 23; Short-rib thoracic dysplasia 14 with polydactyly. Last evaluated: 2022-08-22. Review status: criteria provided, single submitter. Criteria: Invitae Variant Classification Sherloc (09022015). Collection method: clinical testing. Allele origin: germline.
Comment: This sequence change replaces asparagine, which is neutral and polar, with serine, which is neutral and polar, at codon 810 of the KIAA0586 protein (p.Asn810Ser). This variant is present in population databases (rs778673898, gnomAD 0.008%). This variant has not been reported in the literature in individuals affected with KIAA0586-related conditions. Algorithms developed to predict the effect of missense changes on protein structure and function are either unavailable or do not agree on the potential impact of this missense change (SIFT: "Deleterious"; PolyPhen-2: "Benign"; Align-GVGD: "Class C0"). In summary, the available evidence is currently insufficient to determine the role of this variant in disease. Therefore, it has been classified as a Variant of Uncertain Significance.